The following is an entry in ClinVar:

ClinVar aggregate classification (germline): Benign (1 of 4 stars; one submission).

Conditions:
Stargardt disease 3. Also called: MACULAR DYSTROPHY WITH FLECKS, TYPE 3; STARGARDT-LIKE MACULAR DYSTROPHY, AUTOSOMAL DOMINANT. Identifiers: Orphanet 827, MedGen C1838644, MONDO:0010819, OMIM 600110.

Allele frequency attached by ClinVar (database versions not stated): gnomAD exomes 0.00037; 1000 Genomes Project 0.00280; gnomAD 0.00327 and 0.00343; 1000 Genomes Project 30x 0.00359; TOPMed 0.00371.
gnomAD v4.1: 621 of 459,340 alleles (0.14%); highest among the groups gnomAD compares: African/African-American, 1%; 5 homozygotes.

Submission:

Illumina Laboratory Services, Illumina
Classification: Benign for Stargardt disease 3. Last evaluated: 2018-01-13. Review status: criteria provided, single submitter. Criteria: ICSL Variant Classification Criteria 13 December 2019. Collection method: clinical testing. Allele origin: germline.
Comment: This variant was observed in the ICSL laboratory as part of a predisposition screen in an ostensibly healthy population. It had not been previously curated by ICSL or reported in the Human Gene Mutation Database (HGMD: prior to June 1st, 2018), and was therefore a candidate for classification through an automated scoring system. Utilizing variant allele frequency, disease prevalence and penetrance estimates, and inheritance mode, an automated score was calculated to assess if this variant is too frequent to cause the disease. Based on the score and internal cut-off values, a variant classified as benign is not then subjected to further curation. The score for this variant resulted in a classification of benign for this disease.

NM_022726.4(ELOVL4):c.-268T>G

Gene: ELOVL4 (ELOVL fatty acid elongase 4; minus strand). Cytogenetic location: 6q14.1.
Variant type: single nucleotide variant.
Coding change: c.-268T>G on transcript NM_022726.4 (MANE Select); 268 bases upstream of the start codon, T replaced by G.
Molecular consequence: 5 prime UTR variant.
Genome position (GRCh38, 1-based): chr6:79,947,547, A>C on the plus strand (T>G on the coding strand, the complement: ELOVL4 is on the minus strand). VCF-style: chr6-79947547-A-C. GRCh37 (hg19) VCF-style: chr6-80657264-A-C.
Identifiers: ClinVar variation 358162 (VCV000358162.5), dbSNP rs546271509, ClinGen allele CA10627701.